The following is an entry in ClinVar:

ClinVar aggregate classification (germline): Pathogenic. Review status: criteria provided, multiple submitters, no conflicts (2 of 4 stars). 3 submissions from 3 submitters: Pathogenic (3). Last evaluated 2021-11-07.

Conditions:
Mucopolysaccharidosis, MPS-IV-A (MPS4A). Also called: MORQUIO SYNDROME A; MPS IVA; GALACTOSAMINE-6-SULFATASE DEFICIENCY; GALNS DEFICIENCY; MORQUIO A DISEASE; mucopolysaccharidosis type 4A. Identifiers: Orphanet 309297, Orphanet 582, MedGen C0086651, MONDO:0009659, OMIM 253000.

Allele frequency attached by ClinVar (database versions not stated): gnomAD exomes below 0.00001; ExAC 0.00001.
gnomAD v4.1: 1 of 1,612,428 alleles (0.000062%); highest among the groups gnomAD compares: South Asian, 0.0011%; no homozygotes.

Submissions (3):

Genome-Nilou Lab
Classification: Pathogenic for Mucopolysaccharidosis, MPS-IV-A. Last evaluated: 2021-11-07. Review status: criteria provided, single submitter. Criteria: ACMG Guidelines, 2015. Collection method: clinical testing. Allele origin: germline. Affected: no.

Laboratory of Diagnosis and Therapy of Lysosomal Disorders, University of Padova
Classification: Pathogenic for Mucopolysaccharidosis, MPS-IV-A. Last evaluated: 2021-02-01. Review status: criteria provided, single submitter. Criteria: ACMG Guidelines, 2015. Collection method: curation. Allele origin: germline. Affected: yes.
Comment: Splicing variant in canonical site (PVS1_very strong); the prevalence of the variant in affected individuals is significantly increased compared with the prevalence in controls (PS4_strong); very low frequency in gnomAD v2.1.1 (PM2_moderate)

Labcorp Genetics (formerly Invitae), Labcorp
Classification: Pathogenic for Mucopolysaccharidosis, MPS-IV-A. Last evaluated: 2018-07-25. Review status: criteria provided, single submitter. Criteria: Invitae Variant Classification Sherloc (09022015). Collection method: clinical testing. Allele origin: germline.
Comment: Donor and acceptor splice site variants typically lead to a loss of protein function (PMID: 16199547), and loss-of-function variants in GALNS are known to be pathogenic (PMID: 12442278). For these reasons, this variant has been classified as Pathogenic. Algorithms developed to predict the effect of sequence changes on RNA splicing suggest that this variant may disrupt the consensus splice site, but this prediction has not been confirmed by published transcriptional studies. This sequence change affects a donor splice site in intron 12 of the GALNS gene. It is expected to disrupt RNA splicing and likely results in an absent or disrupted protein product. This variant is present in population databases (rs773746427, ExAC 0.006%). This variant has been observed in individuals affected with mucopolysaccharidosis type IVa (PMID: 9298823, Invitae).

Literature cited by the submitters: PubMed 31200731 (cited by Laboratory of Diagnosis and Therapy of Lysosomal Disorders, University of Padova); PubMed 9298823 (cited by Laboratory of Diagnosis and Therapy of Lysosomal Disorders, University of Padova and Labcorp Genetics (formerly Invitae), Labcorp); PubMed 34387910 (cited by Laboratory of Diagnosis and Therapy of Lysosomal Disorders, University of Padova); PubMed 16199547 (cited by Labcorp Genetics (formerly Invitae), Labcorp); PubMed 12442278 (cited by Labcorp Genetics (formerly Invitae), Labcorp).

NM_000512.5(GALNS):c.1364+1G>A

Gene: GALNS (galactosamine (N-acetyl)-6-sulfatase; minus strand). Cytogenetic location: 16q24.3.
Variant type: single nucleotide variant.
Coding change: c.1364+1G>A on transcript NM_000512.5 (MANE Select); the canonical splice donor site of the intron after coding-DNA position 1364, G replaced by A.
Molecular consequence: splice donor variant.
Genome position (GRCh38, 1-based): chr16:88,822,588, C>T on the plus strand (G>A on the coding strand, the complement: GALNS is on the minus strand). VCF-style: chr16-88822588-C-T. GRCh37 (hg19) VCF-style: chr16-88888996-C-T.
Other names: c.809+1G>A (NM_001323543.2); c.1382+1G>A (NM_001323544.2).
Identifiers: ClinVar variation 645753 (VCV000645753.15), dbSNP rs773746427, ClinGen allele CA8234715.
Genomic context (GRCh38, chr16:88,822,588, plus strand): 5'-TGCATTTGGGGGAGTCCGGCTGGCACTGCCTCAGCAGCCAGGAGGCCCTGCACCGACTCA[C>T]CTGAGGGGGAACCTCTCCCCTGGGTCCCGTCCCAGGTGGAAGATCAGGGGCAGCTTCGTG-3'